The following is an entry in ClinVar:

ClinVar aggregate classification (germline): Benign (1 of 4 stars; one submission).

Conditions:
Methylmalonic aciduria and homocystinuria type cblF. Also called: COBALAMIN F DISEASE; COBALAMIN, DEFECT IN LYSOSOMAL RELEASE OF; METHYLMALONIC ACIDEMIA AND HOMOCYSTINURIA, cblF TYPE; METHYLMALONIC ACIDURIA DUE TO VITAMIN B12-RELEASE DEFECT; VITAMIN B12 LYSOSOMAL RELEASE DEFECT; VITAMIN B12 STORAGE DISEASE. Identifiers: Orphanet 79284, MedGen C1848578, MONDO:0010183, OMIM 277380.

Allele frequency attached by ClinVar (database versions not stated): gnomAD exomes 0.54124; gnomAD 0.56654 and 0.57054; TOPMed 0.57391; 1000 Genomes Project 0.64597; 1000 Genomes Project 30x 0.64663.
gnomAD v4.1: 150,192 of 269,806 alleles (56%); highest among the groups gnomAD compares: East Asian, 74%; 42,775 homozygotes.

Submission:

Illumina Laboratory Services, Illumina
Classification: Benign for Methylmalonic aciduria and homocystinuria type cblF. Last evaluated: 2018-01-12. Review status: criteria provided, single submitter. Criteria: ICSL Variant Classification Criteria 13 December 2019. Collection method: clinical testing. Allele origin: germline.
Comment: This variant was observed in the ICSL laboratory as part of a predisposition screen in an ostensibly healthy population. It had not been previously curated by ICSL or reported in the Human Gene Mutation Database (HGMD: prior to June 1st, 2018), and was therefore a candidate for classification through an automated scoring system. Utilizing variant allele frequency, disease prevalence and penetrance estimates, and inheritance mode, an automated score was calculated to assess if this variant is too frequent to cause the disease. Based on the score and internal cut-off values, a variant classified as benign is not then subjected to further curation. The score for this variant resulted in a classification of benign for this disease.

NM_018368.4(LMBRD1):c.*341C>T

Gene: LMBRD1 (LMBR1 domain containing 1; minus strand). Cytogenetic location: 6q13.
Variant type: single nucleotide variant.
Coding change: c.*341C>T on transcript NM_018368.4 (MANE Select); 341 bases downstream of the stop codon, C replaced by T.
Molecular consequence: 3 prime UTR variant.
Genome position (GRCh38, 1-based): chr6:69,675,817, G>A on the plus strand (C>T on the coding strand, the complement: LMBRD1 is on the minus strand). VCF-style: chr6-69675817-G-A. GRCh37 (hg19) VCF-style: chr6-70385709-G-A.
Other names: c.*341C>T (NM_001363722.2, NM_001367271.1, NM_001367272.1).
Identifiers: ClinVar variation 357765 (VCV000357765.5), dbSNP rs9185, ClinGen allele CA10624531.
Genomic context (GRCh38, chr6:69,675,817, plus strand): 5'-AATCAGAGAGAGACACTTTAAAATTCCACATCACTCTGGAGAACCTAAGGCACAGATACA[G>A]ATGATTTATTATGTTTTCAAAAAGTGACAAAAGGGAATATTAATTCTGGAAGATTTTTAA-3'